The following is an entry in ClinVar:

ClinVar aggregate classification (germline): Benign. Review status: criteria provided, single submitter (1 of 4 stars). 3 submissions from 1 submitter: Benign (3). Last evaluated 2018-01-13.

Conditions:
Familial multiple trichoepitheliomata. Also called: Familial multiple trichoepithelioma. Identifiers: Orphanet 79493, Orphanet 867, MedGen C1275122, MONDO:0011114.
Familial cylindromatosis. Also called: Turban tumor syndrome; ANCELL-SPIEGLER CYLINDROMAS. Identifiers: Orphanet 211, Orphanet 79493, MedGen C1851526, MONDO:0007565, OMIM 132700.
Brooke-Spiegler syndrome. Also called: CYLD Cutaneous Syndrome. Identifiers: Orphanet 79493, MedGen C1857941, MONDO:0011512, OMIM 605041.

Allele frequency attached by ClinVar (database versions not stated): gnomAD exomes 0.00048; 1000 Genomes Project 30x 0.00203; gnomAD 0.00217 and 0.00225; TOPMed 0.00217; 1000 Genomes Project 0.00220.
gnomAD v4.1: 368 of 233,336 alleles (0.16%); highest among the groups gnomAD compares: African/African-American, 0.71%; 4 homozygotes.

Submissions (3):

Illumina Laboratory Services, Illumina
Classification: Benign for Brooke-Spiegler syndrome. Last evaluated: 2018-01-13. Review status: criteria provided, single submitter. Criteria: ICSL Variant Classification Criteria 13 December 2019. Collection method: clinical testing. Allele origin: germline.
Comment: This variant was observed in the ICSL laboratory as part of a predisposition screen in an ostensibly healthy population. It had not been previously curated by ICSL or reported in the Human Gene Mutation Database (HGMD: prior to June 1st, 2018), and was therefore a candidate for classification through an automated scoring system. Utilizing variant allele frequency, disease prevalence and penetrance estimates, and inheritance mode, an automated score was calculated to assess if this variant is too frequent to cause the disease. Based on the score and internal cut-off values, a variant classified as benign is not then subjected to further curation. The score for this variant resulted in a classification of benign for this disease.

Illumina Laboratory Services, Illumina
Classification: Benign for Trichoepithelioma, multiple familial, 1. Last evaluated: 2018-01-13. Review status: criteria provided, single submitter. Criteria: ICSL Variant Classification Criteria 13 December 2019. Collection method: clinical testing. Allele origin: germline.
Comment: the same text as in the submission from Illumina Laboratory Services, Illumina above.

Illumina Laboratory Services, Illumina
Classification: Benign for Familial cylindromatosis. Last evaluated: 2018-01-13. Review status: criteria provided, single submitter. Criteria: ICSL Variant Classification Criteria 13 December 2019. Collection method: clinical testing. Allele origin: germline.
Comment: the same text as in the submission from Illumina Laboratory Services, Illumina above.

NM_001378743.1(CYLD):c.*2710C>T

Genes: CYLD (CYLD lysine 63 deubiquitinase; plus strand), CYLD-AS2 (CYLD antisense RNA 2; minus strand). Cytogenetic location: 16q12.1.
Variant type: single nucleotide variant.
Coding change: c.*2710C>T on transcript NM_001378743.1 (MANE Select); 2710 bases downstream of the stop codon, C replaced by T.
Molecular consequence: 3 prime UTR variant. On other transcripts: non-coding transcript variant (1).
Genome position (GRCh38, 1-based): chr16:50,799,218, C>T. VCF-style: chr16-50799218-C-T. GRCh37 (hg19) VCF-style: chr16-50833129-C-T.
Other names: c.*2710C>T (NM_001042355.2, NM_001042412.3, NM_001378744.1 and 12 more transcripts).
Identifiers: ClinVar variation 319543 (VCV000319543.5), dbSNP rs141928186, ClinGen allele CA10648520.
Genomic context (GRCh38, chr16:50,799,218, plus strand): 5'-TCTTTTATTCCTTATCTACAATCAAGATGACAATGTAATTGAATTATCTTATTTATAACA[C>T]GGTTCGTGATTCATGATTCATGATTACAAGTAGAAAATATGTCATGTTCCTCACCTCCAA-3'